The following is an entry in ClinVar:

ClinVar aggregate classification (germline): Benign/Likely benign. Review status: criteria provided, multiple submitters, no conflicts (2 of 4 stars). 3 submissions from 3 submitters: Benign (1); Likely benign (2). Last evaluated 2025-12-22.

Conditions:
Hereditary cancer-predisposing syndrome. Also called: Neoplastic Syndromes, Hereditary; Hereditary Cancer Syndrome; Hereditary neoplastic syndrome; Tumor predisposition. Identifiers: Orphanet 140162, MedGen C0027672, MeSH D009386, MONDO:0015356.
Oligodontia-cancer predisposition syndrome. Also called: TOOTH AGENESIS-COLORECTAL CANCER SYNDROME. Identifiers: Orphanet 300576, MedGen C1837750, MONDO:0012075, OMIM 608615. Disease mechanism: loss of function.

gnomAD v4.1: 1 of 1,556,962 alleles (0.000064%); highest among the groups gnomAD compares: Non-Finnish European, 0.000087%; no homozygotes.

Submissions (3):

Labcorp Genetics (formerly Invitae), Labcorp
Classification: Likely benign for Oligodontia-cancer predisposition syndrome. Last evaluated: 2025-12-22. Review status: criteria provided, single submitter. Criteria: Invitae Variant Classification Sherloc (09022015). Collection method: clinical testing. Allele origin: germline.

Myriad Genetics, Inc.
Classification: Benign for Oligodontia-cancer predisposition syndrome. Last evaluated: 2024-07-02. Review status: criteria provided, single submitter. Criteria: Myriad Autosomal Dominant, Autosomal Recessive and X-Linked Classification Criteria (2023). Collection method: clinical testing. Allele origin: unknown.
Comment: This variant is considered benign. This variant is a silent/synonymous amino acid change and it is not expected to impact splicing.

Ambry Genetics
Classification: Likely benign for Hereditary cancer-predisposing syndrome. Last evaluated: 2023-07-09. Review status: criteria provided, single submitter. Criteria: Ambry Variant Classification Scheme 2023. Collection method: clinical testing. Allele origin: germline.

NM_004655.4(AXIN2):c.1341C>T (p.Leu447=)

Gene: AXIN2 (axin 2; minus strand). Cytogenetic location: 17q24.1.
Variant type: single nucleotide variant.
Coding change: c.1341C>T on transcript NM_004655.4 (MANE Select); coding-DNA position 1341, C replaced by T.
Protein change: p.Leu447=; no amino-acid change (leucine 447 retained).
Molecular consequence: synonymous variant.
Genome position (GRCh38, 1-based): chr17:65,537,695, G>A on the plus strand (C>T on the coding strand, the complement: AXIN2 is on the minus strand). VCF-style: chr17-65537695-G-A. GRCh37 (hg19) VCF-style: chr17-63533813-G-A.
Other names: c.1341C>T, p.Leu447= (NM_001363813.1).
Identifiers: ClinVar variation 2108438 (VCV002108438.7), dbSNP rs2144465433, ClinGen allele CA501691250.